The following is an entry in ClinVar:

NM_002661.5(PLCG2):c.824A>G (p.Asp275Gly)

Gene: PLCG2 (phospholipase C gamma 2; plus strand). Cytogenetic location: 16q23.3.
Variant type: single nucleotide variant.
Coding change: c.824A>G on transcript NM_002661.5 (MANE Select); coding-DNA position 824, A replaced by G.
Protein change: p.Asp275Gly; replaces aspartic acid 275 with glycine.
Molecular consequence: missense variant.
Genome position (GRCh38, 1-based): chr16:81,889,230, A>G. VCF-style: chr16-81889230-A-G. GRCh37 (hg19) VCF-style: chr16-81922835-A-G.
Other names: c.824A>G, p.Asp275Gly (NM_001425749.1, NM_001425750.1, NM_001425751.1); short protein forms D275G.
Identifiers: ClinVar variation 2750727 (VCV002750727.3), dbSNP rs2507613203, ClinGen allele CA396897769.

ClinVar aggregate classification (germline): Uncertain significance (1 of 4 stars; one submission).

Conditions:
Familial cold autoinflammatory syndrome 3 (FCAS3). Also called: ANTIBODY DEFICIENCY AND IMMUNE DYSREGULATION, PLCG2-ASSOCIATED; FAMILIAL ATYPICAL COLD URTICARIA. Identifiers: Orphanet 300359, MedGen C3280914, MONDO:0013766, OMIM 614468.

Submission:

Labcorp Genetics (formerly Invitae), Labcorp
Classification: Uncertain significance for Familial cold autoinflammatory syndrome 3. Last evaluated: 2024-02-12. Review status: criteria provided, single submitter. Criteria: Invitae Variant Classification Sherloc (09022015). Collection method: clinical testing. Allele origin: germline.
Comment: This sequence change replaces aspartic acid, which is acidic and polar, with glycine, which is neutral and non-polar, at codon 275 of the PLCG2 protein (p.Asp275Gly). This variant is not present in population databases (gnomAD no frequency). This variant has not been reported in the literature in individuals affected with PLCG2-related conditions. An algorithm developed to predict the effect of missense changes on protein structure and function (PolyPhen-2) suggests that this variant is likely to be disruptive. In summary, the available evidence is currently insufficient to determine the role of this variant in disease. Therefore, it has been classified as a Variant of Uncertain Significance.